The following is an entry in ClinVar:

NM_001034850.3(RETREG1):c.1255G>C (p.Ala419Pro)

Gene: RETREG1 (reticulophagy regulator 1; minus strand). Cytogenetic location: 5p15.1.
Variant type: single nucleotide variant.
Coding change: c.1255G>C on transcript NM_001034850.3 (MANE Select); coding-DNA position 1255, G replaced by C.
Protein change: p.Ala419Pro; replaces alanine 419 with proline.
Molecular consequence: missense variant.
Genome position (GRCh38, 1-based): chr5:16,474,980, C>G on the plus strand (G>C on the coding strand, the complement: RETREG1 is on the minus strand). VCF-style: chr5-16474980-C-G. GRCh37 (hg19) VCF-style: chr5-16475089-C-G.
Other names: c.832G>C, p.Ala278Pro (NM_019000.5); short protein forms A278P, A419P.
Identifiers: ClinVar variation 1496823 (VCV001496823.8), dbSNP rs1738461818, ClinGen allele CA359256092.

ClinVar aggregate classification (germline): Uncertain significance (1 of 4 stars; one submission).

Allele frequency attached by ClinVar (database versions not stated): gnomAD 0.00001.
gnomAD v4.1: 1 of 1,613,772 alleles (0.000062%); highest among the groups gnomAD compares: East Asian, 0.0022%; no homozygotes.

Submission:

Labcorp Genetics (formerly Invitae), Labcorp
Classification: Uncertain significance. Last evaluated: 2023-05-15. Review status: criteria provided, single submitter. Criteria: Invitae Variant Classification Sherloc (09022015). Collection method: clinical testing. Allele origin: germline.
Comment: Advanced modeling of protein sequence and biophysical properties (such as structural, functional, and spatial information, amino acid conservation, physicochemical variation, residue mobility, and thermodynamic stability) has been performed at Invitae for this missense variant, however the output from this modeling did not meet the statistical confidence thresholds required to predict the impact of this variant on RETREG1 protein function. ClinVar contains an entry for this variant (Variation ID: 1496823). In summary, the available evidence is currently insufficient to determine the role of this variant in disease. Therefore, it has been classified as a Variant of Uncertain Significance. This variant has not been reported in the literature in individuals affected with RETREG1-related conditions. This variant is not present in population databases (gnomAD no frequency). This sequence change replaces alanine, which is neutral and non-polar, with proline, which is neutral and non-polar, at codon 419 of the RETREG1 protein (p.Ala419Pro).